The following is an entry in ClinVar:

NM_007055.4(POLR3A):c.1909T>C (p.Tyr637His)

Gene: POLR3A (RNA polymerase III subunit A; minus strand). Cytogenetic location: 10q22.3.
Variant type: single nucleotide variant.
Coding change: c.1909T>C on transcript NM_007055.4 (MANE Select); coding-DNA position 1909, T replaced by C.
Protein change: p.Tyr637His; replaces tyrosine 637 with histidine.
Molecular consequence: missense variant.
Genome position (GRCh38, 1-based): chr10:78,009,537, A>G on the plus strand (T>C on the coding strand, the complement: POLR3A is on the minus strand). VCF-style: chr10-78009537-A-G. GRCh37 (hg19) VCF-style: chr10-79769295-A-G.
Other names: short protein forms Y637H.
Identifiers: ClinVar variation 1445022 (VCV001445022.5), dbSNP rs201990958, ClinGen allele CA5571288.
Genomic context (GRCh38, chr10:78,009,537, plus strand): 5'-CCAGCCACTTGCTTTTCTGTCACGTTCCTCCTTCTCCCCACCCGAGTTCCGTCCACTCAC[A>G]GGAATCATTGGCACAGAGATCTTCCCCTTTGCCACAGTACTGCTTGCCCTTGGTTCGCAG-3'
Protein context (NP_008986.2, residues 627-647): KGEDLCANDS[Tyr637His]VTIQNSELMS

ClinVar aggregate classification (germline): Uncertain significance (1 of 4 stars; one submission).

Allele frequency attached by ClinVar (database versions not stated): gnomAD 0.00001; ExAC 0.00002; gnomAD exomes 0.00002; TOPMed 0.00002.
gnomAD v4.1: 31 of 1,614,078 alleles (0.0019%); highest among the groups gnomAD compares: African/African-American, 0.0027%; no homozygotes.

Submission:

Labcorp Genetics (formerly Invitae), Labcorp
Classification: Uncertain significance. Last evaluated: 2022-09-26. Review status: criteria provided, single submitter. Criteria: Invitae Variant Classification Sherloc (09022015). Collection method: clinical testing. Allele origin: germline.
Comment: This sequence change replaces tyrosine, which is neutral and polar, with histidine, which is basic and polar, at codon 637 of the POLR3A protein (p.Tyr637His). This variant is present in population databases (rs201990958, gnomAD 0.01%). This variant has not been reported in the literature in individuals affected with POLR3A-related conditions. ClinVar contains an entry for this variant (Variation ID: 1445022). Algorithms developed to predict the effect of missense changes on protein structure and function are either unavailable or do not agree on the potential impact of this missense change (SIFT: "Deleterious"; PolyPhen-2: "Benign"; Align-GVGD: "Class C0"). In summary, the available evidence is currently insufficient to determine the role of this variant in disease. Therefore, it has been classified as a Variant of Uncertain Significance.